The following is an entry in ClinVar:

NM_001267550.2(TTN):c.46580T>A (p.Met15527Lys)

Genes: TTN-AS1 (TTN antisense RNA 1; plus strand), TTN (titin; minus strand). Cytogenetic location: 2q31.2.
Variant type: single nucleotide variant.
Coding change: c.46580T>A on transcript NM_001267550.2 (MANE Select); coding-DNA position 46580, T replaced by A.
Protein change: p.Met15527Lys; replaces methionine 15527 with lysine.
Molecular consequence: missense variant.
Genome position (GRCh38, 1-based): chr2:178,619,737, A>T on the plus strand (T>A on the coding strand, the complement: TTN is on the minus strand). VCF-style: chr2-178619737-A-T. GRCh37 (hg19) VCF-style: chr2-179484464-A-T.
Other names: c.19385T>A, p.Met6462Lys (NM_003319.4); c.19760T>A, p.Met6587Lys (NM_133432.3); c.19961T>A, p.Met6654Lys (NM_133437.4); c.41657T>A, p.Met13886Lys (NM_001256850.1); c.38876T>A, p.Met12959Lys (NM_133378.4); short protein forms M12959K, M15527K, M13886K, M6654K, M6462K, M6587K.
Identifiers: ClinVar variation 178210 (VCV000178210.24), dbSNP rs77496539, ClinGen allele CA181798.

ClinVar aggregate classification (germline): Conflicting classifications of pathogenicity. Review status: criteria provided, conflicting classifications (1 of 4 stars). 11 submissions from 7 submitters: Uncertain significance (4); Benign (2); Likely benign (5). Last evaluated 2026-05-15.

Conditions:
Dilated cardiomyopathy 1G (CMD1G). Identifiers: Orphanet 154, MedGen C1858763, MONDO:0011400, OMIM 604145.
Autosomal recessive limb-girdle muscular dystrophy type 2J (LGMDR10). Also called: Limb-girdle muscular dystrophy, type 2J; MUSCULAR DYSTROPHY, LIMB-GIRDLE, AUTOSOMAL RECESSIVE 10. Identifiers: Orphanet 140922, MedGen C1837342, MONDO:0012127, OMIM 608807.
Myopathy, myofibrillar, 9, with early respiratory failure (MFM9). Also called: MYOPATHY, PROXIMAL, WITH EARLY RESPIRATORY MUSCLE INVOLVEMENT; Hereditary myopathy with early respiratory failure; Myopathy, distal, with early respiratory failure, autosomal dominant; EDSTROM MYOPATHY. Identifiers: Orphanet 34521, MedGen C1863599, MONDO:0011362, OMIM 603689, Orphanet 178464.
Early-onset myopathy with fatal cardiomyopathy (CMYO5). Also called: Salih Myopathy; CONGENITAL MYOPATHY 5 WITH CARDIOMYOPATHY. Identifiers: Orphanet 289377, MedGen C2673677, MONDO:0012714, OMIM 611705. Disease mechanism: loss of function.
Tibial muscular dystrophy (TMD). Also called: Udd Distal Myopathy – Tibial Muscular Dystrophy; UDD MYOPATHY; Tibial muscular dystrophy, tardive. Identifiers: Orphanet 609, MedGen C1838244, MONDO:0010870, OMIM 600334.

Allele frequency attached by ClinVar (database versions not stated): gnomAD 0.00002 and 0.00008; TOPMed 0.00002; gnomAD exomes 0.00012; ExAC 0.00013; 1000 Genomes Project 30x 0.00078; 1000 Genomes Project 0.00100.

Submissions (14):

Women's Health and Genetics/Laboratory Corporation of America, LabCorp
Classification: Likely benign. Last evaluated: 2026-05-15. Review status: criteria provided, single submitter. Criteria: LabCorp Variant Classification Summary - May 2015. Collection method: clinical testing. Allele origin: germline.
Comment: Variant summary: TTN c.38876T>A (p.Met12959Lys) results in a non-conservative amino acid change in the encoded protein sequence. Algorithms developed to predict the effect of missense changes on protein structure and function are either unavailable or do not agree on the potential impact of this missense change. The variant allele was found at a frequency of 0.00012 in 248262 control chromosomes, predominantly at a frequency of 0.0016 within the East Asian subpopulation in the gnomAD database. The observed variant frequency within East Asian control individuals in the gnomAD database exceeds the estimated maximal expected allele frequency for disease-causing variants in TTN. To our knowledge, no occurrence of c.38876T>A in individuals affected with TTN-related conditions and no experimental evidence demonstrating its impact on protein function have been reported. ClinVar contains an entry for this variant (Variation ID: 178210). Based on the evidence outlined above, the variant was classified as likely benign.

Labcorp Genetics (formerly Invitae), Labcorp
Classification: Likely benign for Dilated cardiomyopathy 1G; Autosomal recessive limb-girdle muscular dystrophy type 2J. Last evaluated: 2025-12-01. Review status: criteria provided, single submitter. Criteria: Invitae Variant Classification Sherloc (09022015). Collection method: clinical testing. Allele origin: germline.

ARUP Laboratories, Molecular Genetics and Genomics, ARUP Laboratories
Classification: Uncertain significance. Last evaluated: 2024-06-03. Review status: criteria provided, single submitter. Criteria: ARUP Molecular Germline Variant Investigation Process 2024. Collection method: clinical testing. Allele origin: germline.
Comment: The TTN c.46580T>A; p.Met15527Lys variant (rs77496539; ClinVar Variation ID: 178210) is rare in the general population (<0.2% allele frequency in the Genome Aggregation Database) and has not been reported in the medical literature in association with dilated cardiomyopathy (DCM) or other TTN-related disease. The clinical relevance of rare missense variants in this gene, which are identified on average once per individual sequenced in affected populations (Herman 2012), is not well understood. Yet, evidence suggests that the vast majority of such missense variants do not contribute to the clinical outcome of DCM (Begay 2015). Thus, the clinical significance of the p.Met15527Lys variant cannot be determined with certainty. References: Begay RL et al. Role of Titin Missense Variants in Dilated Cardiomyopathy. J Am Heart Assoc. 2015 Nov 13;4(11). PMID: 26567375. Herman DS et al. Truncations of titin causing dilated cardiomyopathy. N Engl J Med. 2012 Feb 16;366(7):619-28. PMID: 22335739. Linke WA and Hamdani N. Gigantic business: titin properties and function through thick and thin. Circ Res 2014; 114(6): 1052-1068. PMID: 24625729.

Blueprint Genetics
Classification: Likely benign. Last evaluated: 2023-04-19. Review status: criteria provided, single submitter. Criteria: ACMG Guidelines, 2015. Collection method: clinical testing. Allele origin: germline.

GeneDx
Classification: Likely benign. Last evaluated: 2019-06-04. Review status: criteria provided, single submitter. Criteria: GeneDx Variant Classification Process June 2021. Collection method: clinical testing. Allele origin: germline. Affected: yes.

Illumina Laboratory Services, Illumina
Classification: Benign for Myopathy, myofibrillar, 9, with early respiratory failure. Last evaluated: 2018-01-12. Review status: criteria provided, single submitter. Criteria: ICSL Variant Classification Criteria 13 December 2019. Collection method: clinical testing. Allele origin: germline.
Comment: This variant was observed in the ICSL laboratory as part of a predisposition screen in an ostensibly healthy population. It had not been previously curated by ICSL or reported in the Human Gene Mutation Database (HGMD: prior to June 1st, 2018), and was therefore a candidate for classification through an automated scoring system. Utilizing variant allele frequency, disease prevalence and penetrance estimates, and inheritance mode, an automated score was calculated to assess if this variant is too frequent to cause the disease. Based on the score and internal cut-off values, a variant classified as benign is not then subjected to further curation. The score for this variant resulted in a classification of benign for this disease.

Illumina Laboratory Services, Illumina
Classification: Uncertain significance for Early-onset myopathy with fatal cardiomyopathy. Last evaluated: 2018-01-12. Review status: criteria provided, single submitter. Criteria: ICSL Variant Classification Criteria 13 December 2019. Collection method: clinical testing. Allele origin: germline.

Illumina Laboratory Services, Illumina
Classification: Uncertain significance for Dilated cardiomyopathy 1G. Last evaluated: 2018-01-12. Review status: criteria provided, single submitter. Criteria: ICSL Variant Classification Criteria 13 December 2019. Collection method: clinical testing. Allele origin: germline.

Illumina Laboratory Services, Illumina
Classification: Benign for Tibial muscular dystrophy. Last evaluated: 2018-01-12. Review status: criteria provided, single submitter. Criteria: ICSL Variant Classification Criteria 13 December 2019. Collection method: clinical testing. Allele origin: germline.
Comment: the same text as in the submission from Illumina Laboratory Services, Illumina above.

Illumina Laboratory Services, Illumina
Classification: Uncertain significance for Autosomal recessive limb-girdle muscular dystrophy type 2J. Last evaluated: 2018-01-12. Review status: criteria provided, single submitter. Criteria: ICSL Variant Classification Criteria 13 December 2019. Collection method: clinical testing. Allele origin: germline.

Laboratory for Molecular Medicine, Mass General Brigham Personalized Medicine
Classification: Likely benign. Last evaluated: 2014-10-02. Review status: criteria provided, single submitter. Criteria: LMM Criteria. Collection method: clinical testing. Allele origin: germline. Observed: 2 variant alleles.
Comment: p.Met12959Lys in exon 199 of TTN: This variant is not expected to have clinical significance because it has been identified in 2.8% (5/178) of Japanese chromoso mes by the 1000 Genomes Project (dbSNP rs77496539).

Dr. Peter K. Rogan Lab, Western University
No classification provided (evidence only). Condition: Hepatocellular carcinoma. Review status: no classification provided. Collection method: in vitro. Allele origin: not applicable. Functional consequence: retained intron. Not counted in ClinVar's aggregate classification.

Dr. Peter K. Rogan Lab, Western University
No classification provided (evidence only). Condition: Hepatocellular carcinoma. Review status: no classification provided. Collection method: in vitro. Allele origin: not applicable. Functional consequence: retained intron. Not counted in ClinVar's aggregate classification.

Dr. Peter K. Rogan Lab, Western University
No classification provided (evidence only). Condition: Hepatocellular carcinoma. Review status: no classification provided. Collection method: in vitro. Allele origin: not applicable. Functional consequence: retained intron. Not counted in ClinVar's aggregate classification.